The following is an entry in ClinVar:

NM_003458.4(BSN):c.1388C>T (p.Ala463Val)

Gene: BSN (bassoon presynaptic cytomatrix protein; plus strand). Cytogenetic location: 3p21.31.
Variant type: single nucleotide variant.
Coding change: c.1388C>T on transcript NM_003458.4 (MANE Select); coding-DNA position 1388, C replaced by T.
Protein change: p.Ala463Val; replaces alanine 463 with valine.
Molecular consequence: missense variant.
Genome position (GRCh38, 1-based): chr3:49,643,022, C>T. VCF-style: chr3-49643022-C-T. GRCh37 (hg19) VCF-style: chr3-49680455-C-T.
Other names: short protein forms A463V.
Identifiers: ClinVar variation 4538741 (VCV004538741.1).

ClinVar aggregate classification (germline): Uncertain significance (1 of 4 stars; one submission).

Submission:

GeneDx
Classification: Uncertain significance. Last evaluated: 2025-06-18. Review status: criteria provided, single submitter. Criteria: GeneDx Variant Classification Process June 2021. Collection method: clinical testing. Allele origin: germline. Affected: yes.
Comment: Not observed at significant frequency in large population cohorts (gnomAD); In silico analysis suggests that this missense variant does not alter protein structure/function; Has not been previously published as pathogenic or benign to our knowledge